The following is an entry in ClinVar:

ClinVar aggregate classification (germline): Uncertain significance. Review status: criteria provided, single submitter (1 of 4 stars). 2 submissions from 2 submitters: Uncertain significance (1). 1 of the submissions does not count toward it. Last evaluated 2026-05-23.

Conditions:
Inborn genetic diseases. Identifiers: MedGen C0950123, MeSH D030342.

Allele frequency attached by ClinVar (database versions not stated): gnomAD exomes below 0.00001.
gnomAD v4.1: 1 of 1,608,566 alleles (0.000062%); highest among the groups gnomAD compares: Non-Finnish European, 0.000085%; no homozygotes.

Submissions (2):

Ambry Genetics
Classification: Uncertain significance for Inborn genetic diseases. Last evaluated: 2026-05-23. Review status: criteria provided, single submitter. Criteria: Ambry Variant Classification Scheme 2023. Collection method: clinical testing. Allele origin: germline.

ITMI
No classification provided. Condition: AllHighlyPenetrant. Last evaluated: 2013-09-19. Review status: no classification provided. Collection method: reference population. Allele origin: germline. Not counted in ClinVar's aggregate classification.
Comment: Please see associated publication for description of ethnicities

Literature cited by the submitters: PubMed 24728327 (cited by ITMI).

NM_000142.5(FGFR3):c.768G>T (p.Gln256His)

Gene: FGFR3 (fibroblast growth factor receptor 3; plus strand). Cytogenetic location: 4p16.3.
Variant type: single nucleotide variant.
Coding change: c.768G>T on transcript NM_000142.5 (MANE Select); coding-DNA position 768, G replaced by T.
Protein change: p.Gln256His; replaces glutamine 256 with histidine.
Molecular consequence: missense variant. On other transcripts: non-coding transcript variant (1).
Genome position (GRCh38, 1-based): chr4:1,801,863, G>T. VCF-style: chr4-1801863-G-T. GRCh37 (hg19) VCF-style: chr4-1803590-G-T.
Other names: c.768G>T, p.Gln256His (NM_001163213.2, NM_001354809.2, NM_001354810.2 and 1 more transcripts); c.768G>T (NM_000142.4); short protein forms Q256H.
Identifiers: ClinVar variation 134401 (VCV000134401.2), dbSNP rs587778354, ClinGen allele CA159702.